The following is an entry in ClinVar:

ClinVar aggregate classification (germline): Benign/Likely benign. Review status: criteria provided, multiple submitters, no conflicts (2 of 4 stars). 8 submissions from 8 submitters: Benign (3); Likely benign (3). 2 of the submissions do not count toward it. Last evaluated 2026-01-26.

Conditions:
Brugada syndrome 4 (BRGDA4). Identifiers: Orphanet 130, MedGen C2678477, MONDO:0012743, OMIM 611876.
Cardiovascular phenotype. Identifiers: MedGen CN230736.

Allele frequency attached by ClinVar (database versions not stated): ESP Exome Variant Server 0.00008; TOPMed 0.00008; gnomAD exomes 0.00107; ExAC 0.00119; 1000 Genomes Project 30x 0.00141; 1000 Genomes Project 0.00160.
gnomAD v4.1: 826 of 1,614,108 alleles (0.051%); highest among the groups gnomAD compares: South Asian, 0.78%; 16 homozygotes.

Submissions (8):

Labcorp Genetics (formerly Invitae), Labcorp
Classification: Benign for Brugada syndrome 4. Last evaluated: 2026-01-26. Review status: criteria provided, single submitter. Criteria: Invitae Variant Classification Sherloc (09022015). Collection method: clinical testing. Allele origin: germline.

Women's Health and Genetics/Laboratory Corporation of America, LabCorp
Classification: Benign. Last evaluated: 2025-06-26. Review status: criteria provided, single submitter. Criteria: LabCorp Variant Classification Summary - May 2015. Collection method: clinical testing. Allele origin: germline.

Mayo Clinic Laboratories, Mayo Clinic
Classification: Likely benign. Last evaluated: 2025-06-12. Review status: criteria provided, single submitter. Criteria: ACMG Guidelines, 2015. Collection method: clinical testing. Allele origin: germline. Observed: 1 variant allele.
Comment: BS2, BP4, BP7

Blueprint Genetics
Classification: Likely benign. Last evaluated: 2023-12-27. Review status: criteria provided, single submitter. Criteria: ACMG Guidelines, 2015. Collection method: clinical testing. Allele origin: germline.

GeneDx
Classification: Benign. Last evaluated: 2018-09-17. Review status: criteria provided, single submitter. Criteria: GeneDx Variant Classification Process June 2021. Collection method: clinical testing. Allele origin: germline. Affected: yes.

Ambry Genetics
Classification: Likely benign for Cardiovascular phenotype. Last evaluated: 2018-06-25. Review status: criteria provided, single submitter. Criteria: Ambry Variant Classification Scheme 2023. Collection method: clinical testing. Allele origin: germline.

Clinical Genetics DNA and cytogenetics Diagnostics Lab, Erasmus MC, Erasmus Medical Center
Classification: Likely benign. Review status: no assertion criteria provided. Collection method: clinical testing. Allele origin: germline. Affected: yes. Study: VKGL Data-share Consensus. Not counted in ClinVar's aggregate classification.

Clinical Genetics, Academic Medical Center
Classification: Benign. Review status: no assertion criteria provided. Collection method: clinical testing. Allele origin: germline. Affected: yes. Study: VKGL Data-share Consensus. Not counted in ClinVar's aggregate classification.

NM_201596.3(CACNB2):c.354G>A (p.Ala118=)

Gene: CACNB2 (calcium voltage-gated channel auxiliary subunit beta 2; plus strand). Cytogenetic location: 10p12.31.
Variant type: single nucleotide variant.
Coding change: c.354G>A on transcript NM_201596.3 (MANE Select); coding-DNA position 354, G replaced by A.
Protein change: p.Ala118=; no amino-acid change (alanine 118 retained).
Molecular consequence: synonymous variant.
Genome position (GRCh38, 1-based): chr10:18,498,375, G>A. VCF-style: chr10-18498375-G-A. GRCh37 (hg19) VCF-style: chr10-18787304-G-A.
Other names: p.Ala64=; c.189G>A, p.Ala63= (NM_000724.4, NM_001330060.2); c.270G>A, p.Ala90= (NM_001167945.2, NM_201571.4, NM_201572.4); c.210G>A, p.Ala70= (NM_201570.3); c.192G>A, p.Ala64= (NM_201590.3); c.354G>A, p.Ala118= (NM_201593.3, NM_201597.3).
Identifiers: ClinVar variation 299552 (VCV000299552.22), dbSNP rs182163363, ClinGen allele CA5429599.